The following is an entry in ClinVar:

NM_052859.4(RFT1):c.988G>C (p.Glu330Gln)

Gene: RFT1 (RFT1 glycolipid translocator homolog; minus strand). Cytogenetic location: 3p21.1.
Variant type: single nucleotide variant.
Coding change: c.988G>C on transcript NM_052859.4 (MANE Select); coding-DNA position 988, G replaced by C.
Protein change: p.Glu330Gln; replaces glutamic acid 330 with glutamine.
Molecular consequence: missense variant.
Genome position (GRCh38, 1-based): chr3:53,104,067, C>G on the plus strand (G>C on the coding strand, the complement: RFT1 is on the minus strand). VCF-style: chr3-53104067-C-G. GRCh37 (hg19) VCF-style: chr3-53138083-C-G.
Other names: short protein forms E330Q.
Identifiers: ClinVar variation 1421793 (VCV001421793.6), dbSNP rs2107109292, ClinGen allele CA353229130.

ClinVar aggregate classification (germline): Uncertain significance (1 of 4 stars; one submission).

Conditions:
RFT1-congenital disorder of glycosylation (CDG1N). Also called: Congenital disorder of glycosylation type In; CDG In; RFT1-CDG. Identifiers: Orphanet 244310, MedGen C2677590, MONDO:0012783, OMIM 612015.

Allele frequency attached by ClinVar (database versions not stated): gnomAD exomes below 0.00001.
gnomAD v4.1: 4 of 1,614,094 alleles (0.00025%); highest among the groups gnomAD compares: Non-Finnish European, 0.00034%; no homozygotes.

Submission:

Labcorp Genetics (formerly Invitae), Labcorp
Classification: Uncertain significance for RFT1-congenital disorder of glycosylation. Last evaluated: 2022-06-13. Review status: criteria provided, single submitter. Criteria: Invitae Variant Classification Sherloc (09022015). Collection method: clinical testing. Allele origin: germline.
Comment: Algorithms developed to predict the effect of missense changes on protein structure and function (SIFT, PolyPhen-2, Align-GVGD) all suggest that this variant is likely to be tolerated. This variant has not been reported in the literature in individuals affected with RFT1-related conditions. This variant is not present in population databases (gnomAD no frequency). This sequence change replaces glutamic acid, which is acidic and polar, with glutamine, which is neutral and polar, at codon 330 of the RFT1 protein (p.Glu330Gln). In summary, the available evidence is currently insufficient to determine the role of this variant in disease. Therefore, it has been classified as a Variant of Uncertain Significance.